The following is an entry in ClinVar:

ClinVar aggregate classification (germline): Uncertain significance. Review status: criteria provided, multiple submitters, no conflicts (2 of 4 stars). 2 submissions from 2 submitters: Uncertain significance (2). Last evaluated 2025-08-24.

Conditions:
Inborn genetic diseases. Identifiers: MedGen C0950123, MeSH D030342.

Allele frequency attached by ClinVar (database versions not stated): gnomAD exomes below 0.00001.
gnomAD v4.1: 6 of 1,613,080 alleles (0.00037%); highest among the groups gnomAD compares: Non-Finnish European, 0.00051%; no homozygotes.

Submissions (2):

Ambry Genetics
Classification: Uncertain significance for Inborn genetic diseases. Last evaluated: 2025-08-24. Review status: criteria provided, single submitter. Criteria: Ambry Variant Classification Scheme 2023. Collection method: clinical testing. Allele origin: germline.

Labcorp Genetics (formerly Invitae), Labcorp
Classification: Uncertain significance. Last evaluated: 2021-08-04. Review status: criteria provided, single submitter. Criteria: Invitae Variant Classification Sherloc (09022015). Collection method: clinical testing. Allele origin: germline.
Comment: This sequence change replaces valine with alanine at codon 1625 of the CDH23 protein (p.Val1625Ala). The valine residue is highly conserved and there is a small physicochemical difference between valine and alanine. This variant is not present in population databases (ExAC no frequency). This variant has not been reported in the literature in individuals affected with CDH23-related conditions. Algorithms developed to predict the effect of missense changes on protein structure and function are either unavailable or do not agree on the potential impact of this missense change (SIFT: "Deleterious"; PolyPhen-2: "Not Available"; Align-GVGD: "Class C25"). In summary, the available evidence is currently insufficient to determine the role of this variant in disease. Therefore, it has been classified as a Variant of Uncertain Significance.

NM_022124.6(CDH23):c.4874T>C (p.Val1625Ala)

Gene: CDH23 (cadherin related 23; plus strand). Cytogenetic location: 10q22.1.
Variant type: single nucleotide variant.
Coding change: c.4874T>C on transcript NM_022124.6 (MANE Select); coding-DNA position 4874, T replaced by C.
Protein change: p.Val1625Ala; replaces valine 1625 with alanine.
Molecular consequence: missense variant.
Genome position (GRCh38, 1-based): chr10:71,777,708, T>C. VCF-style: chr10-71777708-T-C. GRCh37 (hg19) VCF-style: chr10-73537465-T-C.
Other names: c.4874T>C (NM_022124.5); short protein forms V1625A.
Identifiers: ClinVar variation 1404997 (VCV001404997.6), dbSNP rs1564788667, ClinGen allele CA377139977.
Genomic context (GRCh38, chr10:71,777,708, plus strand): 5'-TGACCAAGGACGTGACCCACTCTTTTCCACAGGCCACCACGCACGTGTACGTGACCATTG[T>C]GGATGAGAATGATAACGCGCCCATGTTCCAGCAGCCCCACTATGAGGTGCTGCTGGATGA-3'
Protein context (NP_071407.4, residues 1615-1635): SATTHVYVTI[Val1625Ala]DENDNAPMFQ